The following is an entry in ClinVar:

ClinVar aggregate classification (germline): Likely benign (1 of 4 stars; one submission).

Allele frequency attached by ClinVar (database versions not stated): gnomAD exomes 0.00001 and 0.00004; TOPMed 0.00001.

Submission:

GeneDx
Classification: Likely benign. Last evaluated: 2020-03-10. Review status: criteria provided, single submitter. Criteria: GeneDx Variant Classification Process June 2021. Collection method: clinical testing. Allele origin: germline. Affected: yes.
Comment: In silico analysis supports that this missense variant does not alter protein structure/function; Has not been previously published as pathogenic or benign to our knowledge

NM_004187.5(KDM5C):c.2623G>A (p.Gly875Ser)

Gene: KDM5C (lysine demethylase 5C; minus strand). Cytogenetic location: Xp11.22.
Variant type: single nucleotide variant.
Coding change: c.2623G>A on transcript NM_004187.5 (MANE Select); coding-DNA position 2623, G replaced by A.
Protein change: p.Gly875Ser; replaces glycine 875 with serine.
Molecular consequence: missense variant. On other transcripts: non-coding transcript variant (3).
Genome position (GRCh38, 1-based): chrX:53,197,044, C>T on the plus strand (G>A on the coding strand, the complement: KDM5C is on the minus strand). VCF-style: chrX-53197044-C-T. GRCh37 (hg19) VCF-style: chrX-53226226-C-T.
Other names: c.2422G>A, p.Gly808Ser (NM_001146702.2); c.2620G>A, p.Gly874Ser (NM_001282622.3, NM_001353979.2, NM_001353982.2); c.2623G>A, p.Gly875Ser (NM_001353978.3, NM_001353981.2, NM_001353984.2); short protein forms G875S, G874S, G808S.
Identifiers: ClinVar variation 392304 (VCV000392304.6), dbSNP rs781897336, ClinGen allele CA16608938.
Genomic context (GRCh38, chrX:53,197,044, plus strand): 5'-GCAGTGAGGCCAGGGCCTCACGAGCCTCAGCCTGGTAGGCCTCCACCTGTTCCAGAACAC[C>T]CTACCAGGACACAGGATGAAGAACAAACTCCTCAGCTGGGCCCACTGAGGGGTTCCACCA-3'
Protein context (NP_004178.2, residues 865-885): CAMHQIGDVK[Gly875Ser]VLEQVEAYQA